The following is an entry in ClinVar:

ClinVar aggregate classification (germline): Likely pathogenic. Review status: criteria provided, multiple submitters, no conflicts (2 of 4 stars). 2 submissions from 2 submitters: Likely pathogenic (2). Last evaluated 2025-08-19.

Conditions:
Neurofibromatosis-Noonan syndrome (NFNS). Also called: NEUROFIBROMATOSIS WITH NOONAN PHENOTYPE. Identifiers: Orphanet 638, MedGen C2931482, MONDO:0011035, OMIM 601321. Disease mechanism: loss of function.
Neurofibromatosis, type 1 (NF1). Also called: NEUROFIBROMATOSIS, TYPE I, SOMATIC; VON RECKLINGHAUSEN DISEASE; Peripheral type neurofibromatosis; Neurofibromatosis, type I. Identifiers: Orphanet 636, MedGen C0027831, MONDO:0018975, OMIM 162200. Disease mechanism: loss of function.

Submissions (2):

Institute of Human Genetics, Heidelberg University
Classification: Likely pathogenic for Neurofibromatosis-Noonan syndrome. Last evaluated: 2025-08-19. Review status: criteria provided, single submitter. Criteria: ACMG Guidelines, 2015. Collection method: clinical testing. Allele origin: paternal. Observed: 2 variant alleles.
Comment: PVS1, PM2_sup

Center for Human Genetics, Inc
Classification: Likely pathogenic for Neurofibromatosis, type 1. Last evaluated: 2016-11-01. Review status: criteria provided, single submitter. Criteria: ACMG Guidelines, 2015. Collection method: clinical testing. Allele origin: germline. Affected: yes.

NM_001042492.3(NF1):c.8159del (p.Lys2720fs)

Gene: NF1 (neurofibromin 1; plus strand). Cytogenetic location: 17q11.2.
Variant type: Deletion.
Coding change: c.8159del on transcript NM_001042492.3 (MANE Select); coding-DNA position 8159, one base deleted (A; older notation c.8159delA).
Protein change: p.Lys2720fs; shifts the reading frame from lysine 2720.
Molecular consequence: frameshift variant.
Genome position (GRCh38, 1-based): chr17:31,359,014, A deleted; the last of 3 consecutive A bases (chr17:31,359,012-31,359,014); deleting any one gives the same sequence. VCF-style (leftmost placement, unchanged base first): chr17-31359011-CA-C. GRCh37 (hg19) VCF-style: chr17-29686029-CA-C.
Other names: c.8096delA (NM_000267.3); c.8096delA, p.Lys2699Serfs (NM_000267.4); short protein forms K2699fs, K2720fs.
Identifiers: ClinVar variation 547700 (VCV000547700.2), dbSNP rs1555537029, ClinGen allele CA658824598.
Genomic context (GRCh38, chr17:31,359,011, plus strand): 5'-AAATTTGATTTGTTGCAGGTTTTGGTTTTAATGGCTTGTGGCGGTTTGCAGGACCGTTTT[CA>C]AAGGTAAGAAAATATATTTTTCTCTAACTTTTGGCAAAATGAAGGTTTCTGTTCAAATTA-3'